The following is an entry in ClinVar:

NM_001276270.2(MBD4):c.1341T>G (p.Phe447Leu)

Gene: MBD4 (methyl-CpG binding domain 4, DNA glycosylase; minus strand). Cytogenetic location: 3q21.3.
Variant type: single nucleotide variant.
Coding change: c.1341T>G on transcript NM_001276270.2 (MANE Select); coding-DNA position 1341, T replaced by G.
Protein change: p.Phe447Leu; replaces phenylalanine 447 with leucine.
Molecular consequence: missense variant.
Genome position (GRCh38, 1-based): chr3:129,433,902, A>C on the plus strand (T>G on the coding strand, the complement: MBD4 is on the minus strand). VCF-style: chr3-129433902-A-C. GRCh37 (hg19) VCF-style: chr3-129152745-A-C.
Other names: c.1359T>G, p.Phe453Leu (NM_001276271.2, NM_001276272.2, NM_003925.3); c.405T>G, p.Phe135Leu (NM_001276273.2); short protein forms F447L, F135L, F453L.
Identifiers: ClinVar variation 3649246 (VCV003649246.2).
Genomic context (GRCh38, chr3:129,433,902, plus strand): 5'-CCCCAAACCTGAGGTCCGATTGAGAAATATAGTAGCGATGAGAAGCTTCCATGGATCATG[A>C]AAAAGTGTTTCTTGAACGAGATTAAAAGGTGACCGAGGAGGTGTCCATTTCTTAAAGGCT-3'
Protein context (NP_001263199.1, residues 437-457): SPFNLVQETL[Phe447Leu]HDPWKLLIAT

ClinVar aggregate classification (germline): Uncertain significance (1 of 4 stars; one submission).

Submission:

Labcorp Genetics (formerly Invitae), Labcorp
Classification: Uncertain significance. Last evaluated: 2024-04-09. Review status: criteria provided, single submitter. Criteria: Invitae Variant Classification Sherloc (09022015). Collection method: clinical testing. Allele origin: germline.
Comment: This sequence change replaces phenylalanine, which is neutral and non-polar, with leucine, which is neutral and non-polar, at codon 453 of the MBD4 protein (p.Phe453Leu). This variant is not present in population databases (gnomAD no frequency). This variant has not been reported in the literature in individuals affected with MBD4-related conditions. An algorithm developed to predict the effect of missense changes on protein structure and function (PolyPhen-2) suggests that this variant is likely to be tolerated. In summary, the available evidence is currently insufficient to determine the role of this variant in disease. Therefore, it has been classified as a Variant of Uncertain Significance.